The following is an entry in ClinVar:

NM_006393.3(NEBL):c.2346G>C (p.Met782Ile)

Gene: NEBL (nebulette; minus strand). Cytogenetic location: 10p12.31.
Variant type: single nucleotide variant.
Coding change: c.2346G>C on transcript NM_006393.3 (MANE Select); coding-DNA position 2346, G replaced by C.
Protein change: p.Met782Ile; replaces methionine 782 with isoleucine.
Molecular consequence: missense variant. On other transcripts: intron variant (9).
Genome position (GRCh38, 1-based): chr10:20,813,939, C>G on the plus strand (G>C on the coding strand, the complement: NEBL is on the minus strand). VCF-style: chr10-20813939-C-G. GRCh37 (hg19) VCF-style: chr10-21102868-C-G.
Other names: c.250-999G>C (NM_001377326.1, NM_001377327.1, NM_001377328.1); c.358-999G>C (NM_213569.2, NM_001173484.2, NM_001377322.1); c.301-999G>C (NM_001377324.1); c.292-999G>C (NM_001377325.1); c.310-999G>C (NM_001377323.1); short protein forms M782I.
Identifiers: ClinVar variation 3606183 (VCV003606183.2).

ClinVar aggregate classification (germline): Uncertain significance (1 of 4 stars; one submission).

Conditions:
Primary dilated cardiomyopathy (DCM). Also called: Dilated Cardiomyopathy. Identifiers: Orphanet 217604, MedGen C0007193, MeSH D002311, MONDO:0005021, HP:0001644. Inheritance: Various modes of inheritance.

Submission:

Labcorp Genetics (formerly Invitae), Labcorp
Classification: Uncertain significance for Primary dilated cardiomyopathy. Last evaluated: 2024-03-18. Review status: criteria provided, single submitter. Criteria: Invitae Variant Classification Sherloc (09022015). Collection method: clinical testing. Allele origin: germline.
Comment: This sequence change replaces methionine, which is neutral and non-polar, with isoleucine, which is neutral and non-polar, at codon 782 of the NEBL protein (p.Met782Ile). This variant also falls at the last nucleotide of exon 23, which is part of the consensus splice site for this exon. This variant is not present in population databases (gnomAD no frequency). This variant has not been reported in the literature in individuals affected with NEBL-related conditions. An algorithm developed to predict the effect of missense changes on protein structure and function (PolyPhen-2) suggests that this variant is likely to be disruptive. Variants that disrupt the consensus splice site are a relatively common cause of aberrant splicing (PMID: 17576681, 9536098). Algorithms developed to predict the effect of sequence changes on RNA splicing suggest that this variant may disrupt the consensus splice site. In summary, the available evidence is currently insufficient to determine the role of this variant in disease. Therefore, it has been classified as a Variant of Uncertain Significance.

Literature cited by the submitters: PubMed 17576681; PubMed 9536098.